The following is an entry in ClinVar:

ClinVar aggregate classification (germline): Benign. Review status: criteria provided, multiple submitters, no conflicts (2 of 4 stars). 8 submissions from 8 submitters: Benign (6). 2 of the submissions do not count toward it. Last evaluated 2026-02-04.

Conditions:
Autosomal recessive limb-girdle muscular dystrophy type 2P. Also called: MUSCULAR DYSTROPHY, LIMB-GIRDLE, TYPE 2P; MUSCULAR DYSTROPHY-DYSTROGLYCANOPATHY, LIMB-GIRDLE, DAG1-RELATED; Limb-Girdle Muscular Dystrophy Type 9C. Identifiers: Orphanet 280333, MedGen C4511963, MONDO:0013440, OMIM 613818.
Muscular dystrophy-dystroglycanopathy (congenital with brain and eye anomalies), type A9. Also called: Muscular dystrophy-dystroglycanopathy (congenital with brain and eye anomalies), type a, 9; WALKER-WARBURG SYNDROME OR MUSCLE-EYE BRAIN DISEASE, DAG1-RELATED. Identifiers: Orphanet 370997, Orphanet 899, MedGen C4225291, MONDO:0014683, OMIM 616538.

Allele frequency attached by ClinVar (database versions not stated): ExAC 0.99231; ESP Exome Variant Server 0.97301; 1000 Genomes Project 0.96585; 1000 Genomes Project 30x 0.96346; TOPMed 0.97350; gnomAD 0.97526; gnomAD exomes 0.99768.
gnomAD v4.1: 1,606,672 of 1,613,856 alleles (100%); highest among the groups gnomAD compares: East Asian, 100%; 800,027 homozygotes.

Submissions (8):

Labcorp Genetics (formerly Invitae), Labcorp
Classification: Benign for Autosomal recessive limb-girdle muscular dystrophy type 2P; Muscular dystrophy-dystroglycanopathy (congenital with brain and eye anomalies), type A9. Last evaluated: 2026-02-04. Review status: criteria provided, single submitter. Criteria: Invitae Variant Classification Sherloc (09022015). Collection method: clinical testing. Allele origin: germline.

Genome-Nilou Lab
Classification: Benign for Muscular dystrophy-dystroglycanopathy (congenital with brain and eye anomalies), type A9. Last evaluated: 2021-07-30. Review status: criteria provided, single submitter. Criteria: ACMG Guidelines, 2015. Collection method: clinical testing. Allele origin: germline. Affected: no.

Mendelics
Classification: Benign for Autosomal recessive limb-girdle muscular dystrophy type 2P. Last evaluated: 2019-05-28. Review status: criteria provided, single submitter. Criteria: Mendelics Assertion Criteria 2017. Collection method: clinical testing. Allele origin: unknown.

Mayo Clinic Laboratories, Mayo Clinic
Classification: Benign. Last evaluated: 2017-07-20. Review status: criteria provided, single submitter. Criteria: ACMG Guidelines, 2015. Collection method: clinical testing. Allele origin: germline. Observed: 724 variant alleles.

Laboratory for Molecular Medicine, Mass General Brigham Personalized Medicine
Classification: Benign. Last evaluated: 2014-11-26. Review status: criteria provided, single submitter. Criteria: LMM Criteria. Collection method: clinical testing. Allele origin: germline. Observed: 14 variant alleles.
Comment: This is a RefSeq error. The reference base (c.41C) is the minor allele. This all ele (C) has been identified in 0.05% (4/8600) of European American chromosomes a nd 7.9% (347/4406) of African American chromosomes by the NHLBI Exome Sequencing Project (dbSNP rs2131107).

Breakthrough Genomics
Classification: Benign. Review status: criteria provided, single submitter. Criteria: ACMG Guidelines, 2015. Collection method: not provided. Allele origin: germline. Inheritance: Autosomal recessive inheritance. Affected: yes.

Clinical Genetics, Academic Medical Center
Classification: Benign. Review status: no assertion criteria provided. Collection method: clinical testing. Allele origin: germline. Affected: yes. Study: VKGL Data-share Consensus. Not counted in ClinVar's aggregate classification.

Diagnostic Laboratory, Department of Genetics, University Medical Center Groningen
Classification: Benign. Review status: no assertion criteria provided. Collection method: clinical testing. Allele origin: germline. Affected: yes. Study: VKGL Data-share Consensus. Not counted in ClinVar's aggregate classification.

NM_004393.6(DAG1):c.41C>G (p.Ser14Trp)

Gene: DAG1 (dystroglycan 1; plus strand). Cytogenetic location: 3p21.31.
Variant type: single nucleotide variant.
Coding change: c.41C>G on transcript NM_004393.6 (MANE Select); coding-DNA position 41, C replaced by G.
Protein change: p.Ser14Trp; replaces serine 14 with tryptophan.
Molecular consequence: missense variant.
Genome position (GRCh38, 1-based): chr3:49,510,575, C>G. VCF-style: chr3-49510575-C-G. GRCh37 (hg19) VCF-style: chr3-49548008-C-G.
Other names: c.41C>G, p.Ser14Trp (NM_001165928.4, NM_001177634.3, NM_001177635.3 and 9 more transcripts); short protein forms S14W.
Identifiers: ClinVar variation 226558 (VCV000226558.20), dbSNP rs2131107, ClinGen allele CA2398806.